The following is an entry in ClinVar:

NM_002437.5(MPV17):c.48G>A (p.Trp16Ter)

Gene: MPV17 (mitochondrial inner membrane protein MPV17; minus strand). Cytogenetic location: 2p23.3.
Variant type: single nucleotide variant.
Coding change: c.48G>A on transcript NM_002437.5 (MANE Select); coding-DNA position 48, G replaced by A.
Protein change: p.Trp16Ter; replaces tryptophan 16 with a stop codon.
Molecular consequence: nonsense.
Genome position (GRCh38, 1-based): chr2:27,322,470, C>T on the plus strand (G>A on the coding strand, the complement: MPV17 is on the minus strand). VCF-style: chr2-27322470-C-T. GRCh37 (hg19) VCF-style: chr2-27545337-C-T.
Other names: short protein forms W16*.
Identifiers: ClinVar variation 2702232 (VCV002702232.3), dbSNP rs2465711244, ClinGen allele CA346160864.

ClinVar aggregate classification (germline): Pathogenic (1 of 4 stars; one submission).

Submission:

Labcorp Genetics (formerly Invitae), Labcorp
Classification: Pathogenic. Last evaluated: 2023-12-20. Review status: criteria provided, single submitter. Criteria: Invitae Variant Classification Sherloc (09022015). Collection method: clinical testing. Allele origin: germline.
Comment: This sequence change creates a premature translational stop signal (p.Trp16*) in the MPV17 gene. It is expected to result in an absent or disrupted protein product. Loss-of-function variants in MPV17 are known to be pathogenic (PMID: 23714749). This variant is not present in population databases (gnomAD no frequency). This variant has not been reported in the literature in individuals affected with MPV17-related conditions. For these reasons, this variant has been classified as Pathogenic.

Literature cited by the submitters: PubMed 23714749.